The following is an entry in ClinVar:

NM_152773.5(DYNLT2B):c.289A>T (p.Ile97Phe)

Gene: DYNLT2B (dynein light chain Tctex-type 2B; minus strand). Cytogenetic location: 3q29.
Variant type: single nucleotide variant.
Coding change: c.289A>T on transcript NM_152773.5 (MANE Select); coding-DNA position 289, A replaced by T.
Protein change: p.Ile97Phe; replaces isoleucine 97 with phenylalanine.
Molecular consequence: missense variant.
Genome position (GRCh38, 1-based): chr3:196,306,971, T>A on the plus strand (A>T on the coding strand, the complement: DYNLT2B is on the minus strand). VCF-style: chr3-196306971-T-A. GRCh37 (hg19) VCF-style: chr3-196033842-T-A.
Other names: c.289A>T, p.Ile97Phe (NM_001351628.2); short protein forms I97F.
Identifiers: ClinVar variation 2151177 (VCV002151177.1), dbSNP rs147435808, ClinGen allele CA2779754.

ClinVar aggregate classification (germline): Uncertain significance (1 of 4 stars; one submission).

Allele frequency attached by ClinVar (database versions not stated): gnomAD 0.00015; ESP Exome Variant Server 0.00023; gnomAD exomes 0.00026; ExAC 0.00044; 1000 Genomes Project 0.00060; 1000 Genomes Project 30x 0.00062.
gnomAD v4.1: 403 of 1,614,110 alleles (0.025%); highest among the groups gnomAD compares: Non-Finnish European, 0.031%; no homozygotes.

Submission:

Labcorp Genetics (formerly Invitae), Labcorp
Classification: Uncertain significance. Last evaluated: 2022-10-18. Review status: criteria provided, single submitter. Criteria: Invitae Variant Classification Sherloc (09022015). Collection method: clinical testing. Allele origin: germline.
Comment: This sequence change replaces isoleucine, which is neutral and non-polar, with phenylalanine, which is neutral and non-polar, at codon 97 of the TCTEX1D2 protein (p.Ile97Phe). This variant is present in population databases (rs147435808, gnomAD 0.05%). This variant has not been reported in the literature in individuals affected with TCTEX1D2-related conditions. Algorithms developed to predict the effect of missense changes on protein structure and function are either unavailable or do not agree on the potential impact of this missense change (SIFT: "Deleterious"; PolyPhen-2: "Probably Damaging"; Align-GVGD: "Class C0"). In summary, the available evidence is currently insufficient to determine the role of this variant in disease. Therefore, it has been classified as a Variant of Uncertain Significance.